The following is an entry in ClinVar:

NM_033028.5(BBS4):c.443T>A (p.Leu148Gln)

Gene: BBS4 (Bardet-Biedl syndrome 4; plus strand). Cytogenetic location: 15q24.1.
Variant type: single nucleotide variant.
Coding change: c.443T>A on transcript NM_033028.5 (MANE Select); coding-DNA position 443, T replaced by A.
Protein change: p.Leu148Gln; replaces leucine 148 with glutamine.
Molecular consequence: missense variant. On other transcripts: 5 prime UTR variant (1), non-coding transcript variant (2).
Genome position (GRCh38, 1-based): chr15:72,722,831, T>A. VCF-style: chr15-72722831-T-A. GRCh37 (hg19) VCF-style: chr15-73015172-T-A.
Other names: c.443T>A (NM_033028.3, NM_033028.4); c.-74T>A (NM_001252678.2); c.443T>A, p.Leu148Gln (NM_001320665.2); short protein forms L148Q.
Identifiers: ClinVar variation 2158195 (VCV002158195.6), dbSNP rs373214822, ClinGen allele CA7646629.

ClinVar aggregate classification (germline): Uncertain significance. Review status: criteria provided, multiple submitters, no conflicts (2 of 4 stars). 3 submissions from 3 submitters: Uncertain significance (2). 1 of the submissions does not count toward it. Last evaluated 2024-01-19.

Conditions:
Inborn genetic diseases. Identifiers: MedGen C0950123, MeSH D030342.
BBS4-related disorder. Also called: BBS4-related condition.
Bardet-Biedl syndrome (BBS). Identifiers: Orphanet 110, MedGen C0752166, MONDO:0015229.

Allele frequency attached by ClinVar (database versions not stated): gnomAD 0.00001; ExAC 0.00002; gnomAD exomes 0.00002; TOPMed 0.00002; ESP Exome Variant Server 0.00008.
gnomAD v4.1: 30 of 1,613,670 alleles (0.0019%); highest among the groups gnomAD compares: Non-Finnish European, 0.0025%; no homozygotes.

Submissions (3):

Labcorp Genetics (formerly Invitae), Labcorp
Classification: Uncertain significance for Bardet-Biedl syndrome. Last evaluated: 2024-01-19. Review status: criteria provided, single submitter. Criteria: Invitae Variant Classification Sherloc (09022015). Collection method: clinical testing. Allele origin: germline.
Comment: This sequence change replaces leucine, which is neutral and non-polar, with glutamine, which is neutral and polar, at codon 148 of the BBS4 protein (p.Leu148Gln). This variant is present in population databases (rs373214822, gnomAD 0.004%). This variant has not been reported in the literature in individuals affected with BBS4-related conditions. ClinVar contains an entry for this variant (Variation ID: 2158195). Advanced modeling of protein sequence and biophysical properties (such as structural, functional, and spatial information, amino acid conservation, physicochemical variation, residue mobility, and thermodynamic stability) performed at Invitae indicates that this missense variant is not expected to disrupt BBS4 protein function with a negative predictive value of 80%. In summary, the available evidence is currently insufficient to determine the role of this variant in disease. Therefore, it has been classified as a Variant of Uncertain Significance.

Ambry Genetics
Classification: Uncertain significance for Inborn genetic diseases. Last evaluated: 2023-12-11. Review status: criteria provided, single submitter. Criteria: Ambry Variant Classification Scheme 2023. Collection method: clinical testing. Allele origin: germline.

PreventionGenetics, part of Exact Sciences
Classification: Uncertain significance for BBS4-related condition. Last evaluated: 2024-05-08. Review status: no assertion criteria provided. Collection method: clinical testing. Allele origin: germline. Not counted in ClinVar's aggregate classification.
Comment: The BBS4 c.443T>A variant is predicted to result in the amino acid substitution p.Leu148Gln. To our knowledge, this variant has not been reported in the literature. This variant is reported in 0.0044% of alleles in individuals of European (Non-Finnish) descent in gnomAD. At this time, the clinical significance of this variant is uncertain due to the absence of conclusive functional and genetic evidence.